The following is an entry in ClinVar:

ClinVar aggregate classification (germline): Likely pathogenic (1 of 4 stars; one submission).

Conditions:
Histiocytic medullary reticulosis. Also called: SEVERE COMBINED IMMUNODEFICIENCY WITH HYPEREOSINOPHILIA; Omenn syndrome. Identifiers: Orphanet 39041, MedGen C2700553, MONDO:0011338, OMIM 603554.

Submission:

Natera, Inc.
Classification: Likely pathogenic for Omenn syndrome. Last evaluated: 2025-05-22. Review status: criteria provided, single submitter. Criteria: Natera Variant Classification Schema (03/2026). Collection method: clinical testing. Allele origin: germline.
Comment: The c.284G>T variant in RAG2 is a missense variant predicted to cause substitution of glycine to valine at amino acid 95. This variant is rare in the general population with a frequency below the threshold expected for the associated phenotype(s). This variant has been observed in one or more individuals affected with the associated recessive disease, as either homozygous or compound heterozygous with a second variant (PMID: 21624848). A different variant at the same position has been determined to be Pathogenic or Likely Pathogenic. Computational prediction algorithms indicate this variant is likely to affect gene or protein function. Given the available evidence, this variant is classified as Likely Pathogenic.

Literature cited by the submitters: PubMed 21624848.

NM_000536.4(RAG2):c.284G>T (p.Gly95Val)

Gene: RAG2 (recombination activating 2; minus strand). Cytogenetic location: 11p12.
Variant type: single nucleotide variant.
Coding change: c.284G>T on transcript NM_000536.4 (MANE Select); coding-DNA position 284, G replaced by T.
Protein change: p.Gly95Val; replaces glycine 95 with valine.
Molecular consequence: missense variant.
Genome position (GRCh38, 1-based): chr11:36,593,885, C>A on the plus strand (G>T on the coding strand, the complement: RAG2 is on the minus strand). VCF-style: chr11-36593885-C-A. GRCh37 (hg19) VCF-style: chr11-36615435-C-A.
Other names: c.284G>T, p.Gly95Val (NM_001243785.2, NM_001243786.2); short protein forms G95V.
Identifiers: ClinVar variation 4060670 (VCV004060670.2).
Genomic context (GRCh38, chr11:36,593,885, plus strand): 5'-TTGCAAACAATAGACATGACATAAATCTTATCTGAAACCTCATTGTTTGGTGTTTTCCCT[C>A]CATGGATGATGTATTGATGCTTTTCAGACTCCAAGCTGCCTTTGAATGTGCAAGTGGCTG-3'
Protein context (NP_000527.2, residues 85-105): ESEKHQYIIH[Gly95Val]GKTPNNEVSD